The following is an entry in ClinVar:

NM_000860.6(HPGD):c.151G>A (p.Glu51Lys)

Gene: HPGD (15-hydroxyprostaglandin dehydrogenase; minus strand). Cytogenetic location: 4q34.1.
Variant type: single nucleotide variant.
Coding change: c.151G>A on transcript NM_000860.6 (MANE Select); coding-DNA position 151, G replaced by A.
Protein change: p.Glu51Lys; replaces glutamic acid 51 with lysine.
Molecular consequence: missense variant. On other transcripts: 5 prime UTR variant (2).
Genome position (GRCh38, 1-based): chr4:174,522,010, C>T on the plus strand (G>A on the coding strand, the complement: HPGD is on the minus strand). VCF-style: chr4-174522010-C-T. GRCh37 (hg19) VCF-style: chr4-175443161-C-T.
Other names: c.151G>A, p.Glu51Lys (NM_001145816.3, NM_001256305.2, NM_001256306.2 and 1 more transcripts); c.-213G>A (NM_001256301.1); c.-106G>A (NM_001256307.2); c.151G>A (NM_000860.4); short protein forms E51K.
Identifiers: ClinVar variation 1371315 (VCV001371315.5), dbSNP rs746624513, ClinGen allele CA3142381.

ClinVar aggregate classification (germline): Uncertain significance. Review status: criteria provided, multiple submitters, no conflicts (2 of 4 stars). 2 submissions from 2 submitters: Uncertain significance (2). Last evaluated 2024-05-12.

Conditions:
Inborn genetic diseases. Identifiers: MedGen C0950123, MeSH D030342.

Allele frequency attached by ClinVar (database versions not stated): gnomAD 0.00001; ExAC 0.00002; gnomAD exomes 0.00002 and 0.00004; TOPMed 0.00002.
gnomAD v4.1: 31 of 1,614,008 alleles (0.0019%); highest among the groups gnomAD compares: Admixed American, 0.027%; no homozygotes.

Submissions (2):

Ambry Genetics
Classification: Uncertain significance for Inborn genetic diseases. Last evaluated: 2024-05-12. Review status: criteria provided, single submitter. Criteria: Ambry Variant Classification Scheme 2023. Collection method: clinical testing. Allele origin: germline.

Labcorp Genetics (formerly Invitae), Labcorp
Classification: Uncertain significance. Last evaluated: 2023-05-15. Review status: criteria provided, single submitter. Criteria: Invitae Variant Classification Sherloc (09022015). Collection method: clinical testing. Allele origin: germline.
Comment: ClinVar contains an entry for this variant (Variation ID: 1371315). In summary, the available evidence is currently insufficient to determine the role of this variant in disease. Therefore, it has been classified as a Variant of Uncertain Significance. An algorithm developed to predict the effect of missense changes on protein structure and function (PolyPhen-2) suggests that this variant¬† is likely to be tolerated. This variant has not been reported in the literature in individuals affected with HPGD-related conditions. This variant is present in population databases (rs746624513, gnomAD 0.03%). This sequence change replaces glutamic acid, which is acidic and polar, with lysine, which is basic and polar, at codon 51 of the HPGD protein (p.Glu51Lys).